The following is an entry in ClinVar:

NM_006947.4(SRP72):c.1081C>T (p.Leu361Phe)

Gene: SRP72 (signal recognition particle 72; plus strand). Cytogenetic location: 4q12.
Variant type: single nucleotide variant.
Coding change: c.1081C>T on transcript NM_006947.4 (MANE Select); coding-DNA position 1081, C replaced by T.
Protein change: p.Leu361Phe; replaces leucine 361 with phenylalanine.
Molecular consequence: missense variant. On other transcripts: non-coding transcript variant (1).
Genome position (GRCh38, 1-based): chr4:56,484,859, C>T. VCF-style: chr4-56484859-C-T. GRCh37 (hg19) VCF-style: chr4-57351025-C-T.
Other names: c.898C>T, p.Leu300Phe (NM_001267722.2); short protein forms L300F, L361F.
Identifiers: ClinVar variation 3801449 (VCV003801449.1).

ClinVar aggregate classification (germline): Uncertain significance (1 of 4 stars; one submission).

gnomAD v4.1: 19 of 1,606,712 alleles (0.0012%); highest among the groups gnomAD compares: South Asian, 0.015%; 2 homozygotes.

Submission:

Ambry Genetics
Classification: Uncertain significance. Last evaluated: 2025-01-17. Review status: criteria provided, single submitter. Criteria: Ambry Variant Classification Scheme 2023. Collection method: clinical testing. Allele origin: germline.
Comment: The p.L361F variant (also known as c.1081C>T), located in coding exon 10 of the SRP72 gene, results from a C to T substitution at nucleotide position 1081. The leucine at codon 361 is replaced by phenylalanine, an amino acid with highly similar properties. This amino acid position is conserved. In addition, the in silico prediction for this alteration is inconclusive. Based on the available evidence, the clinical significance of this variant remains unclear.